The following is an entry in ClinVar:

NM_001278512.2(AP3B2):c.2159C>T (p.Ser720Leu)

Genes: AP3B2 (adaptor related protein complex 3 subunit beta 2; minus strand), CPEB1-AS1 (CPEB1 antisense RNA 1; plus strand). Cytogenetic location: 15q25.2.
Variant type: single nucleotide variant.
Coding change: c.2159C>T on transcript NM_001278512.2 (MANE Select); coding-DNA position 2159, C replaced by T.
Protein change: p.Ser720Leu; replaces serine 720 with leucine.
Molecular consequence: missense variant.
Genome position (GRCh38, 1-based): chr15:82,664,469, G>A on the plus strand (C>T on the coding strand, the complement: AP3B2 is on the minus strand). VCF-style: chr15-82664469-G-A. GRCh37 (hg19) VCF-style: chr15-83333221-G-A.
Other names: c.2006C>T, p.Ser669Leu (NM_001278511.2); c.2102C>T, p.Ser701Leu (NM_004644.5); short protein forms S701L, S720L, S669L.
Identifiers: ClinVar variation 1487448 (VCV001487448.7), dbSNP rs777932732, ClinGen allele CA7699997.
Genomic context (GRCh38, chr15:82,664,469, plus strand): 5'-TCATTGTCGGACTCACTGCTGGACTCCCCAGAGCCGCTCTCACTGCTGCTCTTACTGTCC[G>A]ATTCACTCTCAGACTCAGGGTCTGTGGAGGAACAATATGAGGCCTCCTCCCTCATATGCA-3'
Protein context (NP_001265441.1, residues 710-730): ADSDPESESE[Ser720Leu]DSKSSSESGS

ClinVar aggregate classification (germline): Uncertain significance (1 of 4 stars; one submission).

Allele frequency attached by ClinVar (database versions not stated): gnomAD 0.00001; gnomAD exomes 0.00002 and 0.00003; TOPMed 0.00002; ExAC 0.00004.
gnomAD v4.1: 38 of 1,613,454 alleles (0.0024%); highest among the groups gnomAD compares: Non-Finnish European, 0.0031%; no homozygotes.

Submission:

Labcorp Genetics (formerly Invitae), Labcorp
Classification: Uncertain significance. Last evaluated: 2022-08-09. Review status: criteria provided, single submitter. Criteria: Invitae Variant Classification Sherloc (09022015). Collection method: clinical testing. Allele origin: germline.
Comment: In summary, the available evidence is currently insufficient to determine the role of this variant in disease. Therefore, it has been classified as a Variant of Uncertain Significance. Algorithms developed to predict the effect of missense changes on protein structure and function are either unavailable or do not agree on the potential impact of this missense change (SIFT: "Deleterious"; PolyPhen-2: "Benign"; Align-GVGD: "Class C0"). ClinVar contains an entry for this variant (Variation ID: 1487448). This variant has not been reported in the literature in individuals affected with AP3B2-related conditions. This variant is present in population databases (rs777932732, gnomAD 0.005%). This sequence change replaces serine, which is neutral and polar, with leucine, which is neutral and non-polar, at codon 701 of the AP3B2 protein (p.Ser701Leu).